The following is an entry in ClinVar:

NM_001042681.2(RERE):c.2324C>G (p.Pro775Arg)

Gene: RERE (arginine-glutamic acid dipeptide repeats; minus strand). Cytogenetic location: 1p36.23.
Variant type: single nucleotide variant.
Coding change: c.2324C>G on transcript NM_001042681.2 (MANE Select); coding-DNA position 2324, C replaced by G.
Protein change: p.Pro775Arg; replaces proline 775 with arginine.
Molecular consequence: missense variant.
Genome position (GRCh38, 1-based): chr1:8,361,183, G>C on the plus strand (C>G on the coding strand, the complement: RERE is on the minus strand). VCF-style: chr1-8361183-G-C. GRCh37 (hg19) VCF-style: chr1-8421243-G-C.
Other names: c.662C>G, p.Pro221Arg (NM_001042682.2); c.2324C>G, p.Pro775Arg (NM_012102.4); short protein forms P221R, P775R.
Identifiers: ClinVar variation 2582055 (VCV002582055.1), dbSNP rs1641562404, ClinGen allele CA338172829.

ClinVar aggregate classification (germline): Uncertain significance (1 of 4 stars; one submission).

Allele frequency attached by ClinVar (database versions not stated): TOPMed below 0.00001.

Submission:

GeneDx
Classification: Uncertain significance. Last evaluated: 2023-03-31. Review status: criteria provided, single submitter. Criteria: GeneDx Variant Classification Process June 2021. Collection method: clinical testing. Allele origin: germline. Affected: yes.
Comment: Not observed at significant frequency in large population cohorts (gnomAD); In silico analysis supports that this missense variant has a deleterious effect on protein structure/function; Has not been previously published as pathogenic or benign to our knowledge